The following is an entry in ClinVar:

ClinVar aggregate classification (germline): Pathogenic (1 of 4 stars; one submission).

Conditions:
Hereditary cancer-predisposing syndrome. Also called: Tumor predisposition; Hereditary neoplastic syndrome; Neoplastic Syndromes, Hereditary; Hereditary Cancer Syndrome. Identifiers: Orphanet 140162, MedGen C0027672, MeSH D009386, MONDO:0015356.

Submission:

Ambry Genetics
Classification: Pathogenic for Hereditary cancer-predisposing syndrome. Last evaluated: 2018-07-13. Review status: criteria provided, single submitter. Criteria: Ambry Variant Classification Scheme 2023. Collection method: clinical testing. Allele origin: germline.
Comment: The c.1298dupA pathogenic mutation, located in coding exon 9 of the FH gene, results from a duplication of A at nucleotide position 1298, causing a translational frameshift with a predicted alternate stop codon (p.N433Kfs*19). This alteration is expected to result in loss of function by premature protein truncation. As such, this alteration is interpreted as a disease-causing mutation.

NM_000143.4(FH):c.1298dup (p.Asn433fs)

Gene: FH (fumarate hydratase; minus strand). Cytogenetic location: 1q43.
Variant type: Duplication.
Coding change: c.1298dup on transcript NM_000143.4 (MANE Select); coding-DNA position 1298, one base duplicated (A; older notation c.1298dupA).
Protein change: p.Asn433fs; shifts the reading frame from asparagine 433.
Molecular consequence: frameshift variant.
Genome position (GRCh38, 1-based): chr1:241,500,529, T duplicated on the plus strand (A on the coding strand, the reverse complement: FH is on the minus strand); the first of 4 consecutive T bases (chr1:241,500,529-241,500,532); duplicating any one gives the same sequence. VCF-style (leftmost placement, unchanged base first): chr1-241500528-G-GT. GRCh37 (hg19) VCF-style: chr1-241663828-G-GT.
Other names: short protein forms N433fs.
Identifiers: ClinVar variation 818714 (VCV000818714.4), dbSNP rs1573878071, ClinGen allele CA915942096.